The following is an entry in ClinVar:

NM_000051.4(ATM):c.8822C>T (p.Ser2941Phe)

Genes: C11orf65 (chromosome 11 open reading frame 65; minus strand), ATM (ATM serine/threonine kinase; plus strand). Cytogenetic location: 11q22.3.
Variant type: single nucleotide variant.
Coding change: c.8822C>T on transcript NM_000051.4 (MANE Select); coding-DNA position 8822, C replaced by T.
Protein change: p.Ser2941Phe; replaces serine 2941 with phenylalanine.
Molecular consequence: missense variant. On other transcripts: intron variant (2).
Genome position (GRCh38, 1-based): chr11:108,354,846, C>T. VCF-style: chr11-108354846-C-T. GRCh37 (hg19) VCF-style: chr11-108225573-C-T.
Other names: c.8822C>T, p.Ser2941Phe (NM_001351834.2); c.640+31074G>A (NM_001330368.2); c.695-19554G>A (NM_001351110.2); short protein forms S2941F.
Identifiers: ClinVar variation 822758 (VCV000822758.13), dbSNP rs1591314282, ClinGen allele CA382525899.
Genomic context (GRCh38, chr11:108,354,846, plus strand): 5'-GTATTTATAATGTGTTTGACTCTAGATGCTGTGAGAAAACCATGGAAGTGATGAGAAACT[C>T]TCAGGAAACTCTGTTAACCATTGTAGAGGTAAAGTATTTTATAAGGAAGACTTTATTTTT-3'
Protein context (NP_000042.3, residues 2931-2951): CEKTMEVMRN[Ser2941Phe]QETLLTIVEV

ClinVar aggregate classification (germline): Uncertain significance. Review status: criteria provided, multiple submitters, no conflicts (2 of 4 stars). 3 submissions from 3 submitters: Uncertain significance (2). 1 of the submissions does not count toward it. Last evaluated 2021-03-29.

Conditions:
Hereditary cancer-predisposing syndrome. Also called: Tumor predisposition; Neoplastic Syndromes, Hereditary; Hereditary Cancer Syndrome; Hereditary neoplastic syndrome. Identifiers: Orphanet 140162, MedGen C0027672, MeSH D009386, MONDO:0015356.
Ataxia-telangiectasia syndrome (AT). Also called: ATAXIA-TELANGIECTASIA, COMPLEMENTATION GROUP A; ATAXIA-TELANGIECTASIA, FRESNO VARIANT; Ataxia-telangiectasia; Ataxia-telangiectasia, complementation group D; AT, COMPLEMENTATION GROUP C; Ataxia-telangiectasia, complementation group E. Identifiers: Orphanet 100, MedGen C0004135, MONDO:0008840, OMIM 208900.

Submissions (3):

Labcorp Genetics (formerly Invitae), Labcorp
Classification: Uncertain significance for Ataxia-telangiectasia syndrome. Last evaluated: 2021-03-29. Review status: criteria provided, single submitter. Criteria: Invitae Variant Classification Sherloc (09022015). Collection method: clinical testing. Allele origin: germline.
Comment: This sequence change replaces serine with phenylalanine at codon 2941 of the ATM protein (p.Ser2941Phe). The serine residue is highly conserved and there is a large physicochemical difference between serine and phenylalanine. In summary, the available evidence is currently insufficient to determine the role of this variant in disease. Therefore, it has been classified as a Variant of Uncertain Significance. Advanced modeling of protein sequence and biophysical properties (such as structural, functional, and spatial information, amino acid conservation, physicochemical variation, residue mobility, and thermodynamic stability) performed at Invitae indicates that this missense variant is expected to disrupt ATM protein function. This variant has not been reported in the literature in individuals with ATM-related conditions. ClinVar contains an entry for this variant (Variation ID: 822758). This variant is not present in population databases (ExAC no frequency).

Ambry Genetics
Classification: Uncertain significance for Hereditary cancer-predisposing syndrome. Last evaluated: 2019-03-18. Review status: criteria provided, single submitter. Criteria: Ambry Variant Classification Scheme 2023. Collection method: clinical testing. Allele origin: germline.
Comment: The p.S2941F variant (also known as c.8822C>T), located in coding exon 60 of the ATM gene, results from a C to T substitution at nucleotide position 8822. The serine at codon 2941 is replaced by phenylalanine, an amino acid with highly dissimilar properties. This amino acid position is highly conserved in available vertebrate species. In addition, this alteration is predicted to be deleterious by in silico analysis. Since supporting evidence is limited at this time, the clinical significance of this alteration remains unclear.

Natera, Inc.
Classification: Uncertain significance for Ataxia-telangiectasia. Last evaluated: 2020-11-25. Review status: no assertion criteria provided. Collection method: clinical testing. Allele origin: germline. Not counted in ClinVar's aggregate classification.